The following is an entry in ClinVar:

NM_000051.4(ATM):c.1330C>T (p.Pro444Ser)

Gene: ATM (ATM serine/threonine kinase; plus strand). Cytogenetic location: 11q22.3.
Variant type: single nucleotide variant.
Coding change: c.1330C>T on transcript NM_000051.4 (MANE Select); coding-DNA position 1330, C replaced by T.
Protein change: p.Pro444Ser; replaces proline 444 with serine.
Molecular consequence: missense variant.
Genome position (GRCh38, 1-based): chr11:108,250,795, C>T. VCF-style: chr11-108250795-C-T. GRCh37 (hg19) VCF-style: chr11-108121522-C-T.
Other names: c.1330C>T, p.Pro444Ser (NM_001351834.2); short protein forms P444S.
Identifiers: ClinVar variation 2001586 (VCV002001586.4), dbSNP rs2135318790, ClinGen allele CA382533703.

ClinVar aggregate classification (germline): Uncertain significance (1 of 4 stars; one submission).

Conditions:
Ataxia-telangiectasia syndrome (AT). Also called: Ataxia-telangiectasia, complementation group E; Ataxia-telangiectasia; ATAXIA-TELANGIECTASIA, COMPLEMENTATION GROUP A; Ataxia-telangiectasia, complementation group D; Ataxia telangiectasia (A-T); LOUIS-BAR SYNDROME. Identifiers: Orphanet 100, MedGen C0004135, MONDO:0008840, OMIM 208900.

Submission:

Labcorp Genetics (formerly Invitae), Labcorp
Classification: Uncertain significance for Ataxia-telangiectasia syndrome. Last evaluated: 2023-01-16. Review status: criteria provided, single submitter. Criteria: Invitae Variant Classification Sherloc (09022015). Collection method: clinical testing. Allele origin: germline.
Comment: This sequence change replaces proline, which is neutral and non-polar, with serine, which is neutral and polar, at codon 444 of the ATM protein (p.Pro444Ser). In summary, the available evidence is currently insufficient to determine the role of this variant in disease. Therefore, it has been classified as a Variant of Uncertain Significance. Algorithms developed to predict the effect of missense changes on protein structure and function output the following: SIFT: "Tolerated"; PolyPhen-2: "Benign"; Align-GVGD: "Class C0". The serine amino acid residue is found in multiple mammalian species, which suggests that this missense change does not adversely affect protein function. This variant has not been reported in the literature in individuals affected with ATM-related conditions. This variant is not present in population databases (gnomAD no frequency).